The following is an entry in ClinVar:

ClinVar aggregate classification (germline): Conflicting classifications of pathogenicity. Review status: criteria provided, conflicting classifications (1 of 4 stars). 2 submissions from 2 submitters: Likely pathogenic (1); Uncertain significance (1). Last evaluated 2025-10-29.

Conditions:
Hypertrophic cardiomyopathy. Also called: HYPERTROPHIC MYOCARDIOPATHY. Identifiers: Orphanet 217569, MedGen C0007194, MeSH D002312, MONDO:0005045, HP:0001639.

Submissions (2):

Labcorp Genetics (formerly Invitae), Labcorp
Classification: Likely pathogenic for Hypertrophic cardiomyopathy. Last evaluated: 2025-10-29. Review status: criteria provided, single submitter. Criteria: Invitae Variant Classification Sherloc (09022015). Collection method: clinical testing. Allele origin: germline.
Comment: This sequence change replaces leucine, which is neutral and non-polar, with proline, which is neutral and non-polar, at codon 268 of the MYH7 protein (p.Leu268Pro). This variant is not present in population databases (gnomAD no frequency). This missense change has been observed in individual(s) with left ventricular noncompaction (internal data). It has also been observed to segregate with disease in related individuals. ClinVar contains an entry for this variant (Variation ID: 452942). Invitae Evidence Modeling of protein sequence and biophysical properties (such as structural, functional, and spatial information, amino acid conservation, physicochemical variation, residue mobility, and thermodynamic stability) indicates that this missense variant is expected to disrupt MYH7 protein function with a positive predictive value of 95%. This variant is found within a region of MYH7 between codons 181 and 937 that contains the majority of the myosin head domain. Missense variants in this region have been shown to be significantly overrepresented in individuals with hypertrophic cardiomyopathy (PMID: 27532257). In summary, the currently available evidence indicates that the variant is pathogenic, but additional data are needed to prove that conclusively. Therefore, this variant has been classified as Likely Pathogenic.

GeneDx
Classification: Uncertain significance. Last evaluated: 2021-09-22. Review status: criteria provided, single submitter. Criteria: GeneDx Variant Classification Process June 2021. Collection method: clinical testing. Allele origin: germline. Affected: yes.
Comment: Has not been previously published as pathogenic or benign to our knowledge; Not observed at significant frequency in large population cohorts (Lek et al., 2016); In silico analysis supports that this missense variant has a deleterious effect on protein structure/function; Reported in ClinVar as a variant of uncertain significance (ClinVar Variant ID# 452942; Landrum et al., 2016); This variant is associated with the following publications: (PMID: 26582918, 29300372, 27532257)

Literature cited by the submitters: PubMed 27532257 (cited by Labcorp Genetics (formerly Invitae), Labcorp).

NM_000257.4(MYH7):c.803T>C (p.Leu268Pro)

Gene: MYH7 (myosin heavy chain 7; minus strand). Cytogenetic location: 14q11.2.
Variant type: single nucleotide variant.
Coding change: c.803T>C on transcript NM_000257.4 (MANE Select); coding-DNA position 803, T replaced by C.
Protein change: p.Leu268Pro; replaces leucine 268 with proline.
Molecular consequence: missense variant.
Genome position (GRCh38, 1-based): chr14:23,430,993, A>G on the plus strand (T>C on the coding strand, the complement: MYH7 is on the minus strand). VCF-style: chr14-23430993-A-G. GRCh37 (hg19) VCF-style: chr14-23900202-A-G.
Other names: c.803T>C (LRG_384t1); short protein forms L268P.
Identifiers: ClinVar variation 452942 (VCV000452942.11), dbSNP rs1555338582, ClinGen allele CA389052011.